The following is an entry in ClinVar:

ClinVar aggregate classification (germline): Uncertain significance (1 of 4 stars; one submission).

Conditions:
ARMC5-related disorder. Also called: ARMC5-related condition.

Submission:

PreventionGenetics, part of Exact Sciences
Classification: Uncertain significance for ARMC5-related condition. Last evaluated: 2023-02-21. Review status: criteria provided, single submitter. Criteria: ACMG Guidelines, 2015. Collection method: clinical testing. Allele origin: germline.
Comment: The ARMC5 c.2065G>C variant is predicted to result in the amino acid substitution p.Ala689Pro. To our knowledge, this variant has not been reported in the literature or in a large population database, indicating this variant is rare. At this time, the clinical significance of this variant is uncertain due to the absence of conclusive functional and genetic evidence.

NM_001105247.2(ARMC5):c.1780G>C (p.Ala594Pro)

Gene: ARMC5 (armadillo repeat containing 5; plus strand). Cytogenetic location: 16p11.2.
Variant type: single nucleotide variant.
Coding change: c.1780G>C on transcript NM_001105247.2 (MANE Select); coding-DNA position 1780, G replaced by C.
Protein change: p.Ala594Pro; replaces alanine 594 with proline.
Molecular consequence: missense variant.
Genome position (GRCh38, 1-based): chr16:31,464,803, G>C. VCF-style: chr16-31464803-G-C. GRCh37 (hg19) VCF-style: chr16-31476124-G-C.
Other names: c.2065G>C, p.Ala689Pro (NM_001288767.2); c.1876G>C, p.Ala626Pro (NM_001301820.1); c.1780G>C, p.Ala594Pro (NM_024742.2); short protein forms A594P, A626P, A689P.
Identifiers: ClinVar variation 2630529 (VCV002630529.1), dbSNP rs1442212335, ClinGen allele CA395736405.